The following is an entry in ClinVar:

ClinVar aggregate classification (germline): Likely benign. Review status: criteria provided, single submitter (1 of 4 stars). 2 submissions from 2 submitters: Likely benign (1). 1 of the submissions does not count toward it. Last evaluated 2023-05-01.

Conditions:
TRPM7-related disorder. Also called: TRPM7-related condition.

Allele frequency attached by ClinVar (database versions not stated): 1000 Genomes Project 30x 0.00156; 1000 Genomes Project 0.00160; TOPMed 0.00542; ExAC 0.00628; gnomAD 0.00659; ESP Exome Variant Server 0.00724; gnomAD exomes 0.01034.

Submissions (2):

CeGaT Center for Human Genetics Tuebingen
Classification: Likely benign. Last evaluated: 2023-05-01. Review status: criteria provided, single submitter. Criteria: CeGaT Center For Human Genetics Tuebingen Variant Classification Criteria Version 2. Collection method: clinical testing. Allele origin: germline. Affected: yes. Observed: 4 variant alleles.
Comment: TRPM7: BP4, BS2

PreventionGenetics, part of Exact Sciences
Classification: Benign for TRPM7-related condition. Last evaluated: 2019-11-12. Review status: no assertion criteria provided. Collection method: clinical testing. Allele origin: germline. Not counted in ClinVar's aggregate classification.
Comment: This variant is classified as benign based on ACMG/AMP sequence variant interpretation guidelines (Richards et al. 2015 PMID: 25741868, with internal and published modifications).

NM_017672.6(TRPM7):c.5309-5T>C

Gene: TRPM7 (transient receptor potential cation channel subfamily M member 7; minus strand). Cytogenetic location: 15q21.2.
Variant type: single nucleotide variant.
Coding change: c.5309-5T>C on transcript NM_017672.6 (MANE Select); 5 bases into the intron before coding-DNA position 5309, T replaced by C.
Molecular consequence: intron variant.
Genome position (GRCh38, 1-based): chr15:50,570,160, A>G on the plus strand (T>C on the coding strand, the complement: TRPM7 is on the minus strand). VCF-style: chr15-50570160-A-G. GRCh37 (hg19) VCF-style: chr15-50862357-A-G.
Other names: c.5306-5T>C (NM_001301212.2); c.5309-5T>C (NM_017672.5).
Identifiers: ClinVar variation 2645329 (VCV002645329.25), dbSNP rs117899712, ClinGen allele CA7556648.